The following is an entry in ClinVar:

NM_025144.4(ALPK1):c.3592C>T (p.His1198Tyr)

Gene: ALPK1 (alpha kinase 1; plus strand). Cytogenetic location: 4q25.
Variant type: single nucleotide variant.
Coding change: c.3592C>T on transcript NM_025144.4 (MANE Select); coding-DNA position 3592, C replaced by T.
Protein change: p.His1198Tyr; replaces histidine 1198 with tyrosine.
Molecular consequence: missense variant.
Genome position (GRCh38, 1-based): chr4:112,440,970, C>T. VCF-style: chr4-112440970-C-T. GRCh37 (hg19) VCF-style: chr4-113362126-C-T.
Other names: c.3592C>T (NM_025144.3); c.3592C>T, p.His1198Tyr (NM_001102406.2); c.3358C>T, p.His1120Tyr (NM_001253884.2); short protein forms H1198Y, H1120Y.
Identifiers: ClinVar variation 2965833 (VCV002965833.4), dbSNP rs1160018260, ClinGen allele CA357912094.

ClinVar aggregate classification (germline): Uncertain significance. Review status: criteria provided, multiple submitters, no conflicts (2 of 4 stars). 2 submissions from 2 submitters: Uncertain significance (2). Last evaluated 2025-12-21.

Conditions:
Inborn genetic diseases. Identifiers: MedGen C0950123, MeSH D030342.

Allele frequency attached by ClinVar (database versions not stated): TOPMed 0.00001; gnomAD 0.00002.
gnomAD v4.1: 6 of 1,613,752 alleles (0.00037%); highest among the groups gnomAD compares: Non-Finnish European, 0.00051%; no homozygotes.

Submissions (2):

Labcorp Genetics (formerly Invitae), Labcorp
Classification: Uncertain significance. Last evaluated: 2025-12-21. Review status: criteria provided, single submitter. Criteria: Invitae Variant Classification Sherloc (09022015). Collection method: clinical testing. Allele origin: germline.
Comment: This sequence change replaces histidine, which is basic and polar, with tyrosine, which is neutral and polar, at codon 1198 of the ALPK1 protein (p.His1198Tyr). This variant is not present in population databases (gnomAD no frequency). This variant has not been reported in the literature in individuals affected with ALPK1-related conditions. ClinVar contains an entry for this variant (Variation ID: 2965833). An algorithm developed to predict the effect of missense changes on protein structure and function (PolyPhen-2) suggests that this variant is likely to be disruptive. In summary, the available evidence is currently insufficient to determine the role of this variant in disease. Therefore, it has been classified as a Variant of Uncertain Significance.

Ambry Genetics
Classification: Uncertain significance for Inborn genetic diseases. Last evaluated: 2024-07-27. Review status: criteria provided, single submitter. Criteria: Ambry Variant Classification Scheme 2023. Collection method: clinical testing. Allele origin: germline.